The following is an entry in ClinVar:

ClinVar aggregate classification (germline): Uncertain significance (1 of 4 stars; one submission).

Conditions:
Cardiac arrhythmia. Also called: Arrhythmia; Cardiac rhythm disease. Identifiers: MedGen C0003811, MONDO:0007263, HP:0011675.

Submission:

Color Diagnostics, LLC DBA Color Health
Classification: Uncertain significance for Cardiac arrhythmia. Last evaluated: 2024-03-06. Review status: criteria provided, single submitter. Criteria: ACMG Guidelines, 2015. Collection method: clinical testing. Allele origin: germline.
Comment: This missense variant replaces lysine with asparagine at codon 886 of the KCNH2 protein. Computational prediction suggests that this variant may not impact protein structure and function (internally defined REVEL score threshold <= 0.5, PMID: 27666373). To our knowledge, functional studies have not been reported for this variant. This variant has not been reported in individuals affected with cardiovascular disorders in the literature. This variant has not been identified in the general population by the Genome Aggregation Database (gnomAD). The available evidence is insufficient to determine the role of this variant in disease conclusively. Therefore, this variant is classified as a Variant of Uncertain Significance.

NM_000238.4(KCNH2):c.2658G>C (p.Lys886Asn)

Gene: KCNH2 (potassium voltage-gated channel subfamily H member 2; minus strand). Cytogenetic location: 7q36.1.
Variant type: single nucleotide variant.
Coding change: c.2658G>C on transcript NM_000238.4 (MANE Select); coding-DNA position 2658, G replaced by C.
Protein change: p.Lys886Asn; replaces lysine 886 with asparagine.
Molecular consequence: missense variant. On other transcripts: non-coding transcript variant (2).
Genome position (GRCh38, 1-based): chr7:150,948,478, C>G on the plus strand (G>C on the coding strand, the complement: KCNH2 is on the minus strand). VCF-style: chr7-150948478-C-G. GRCh37 (hg19) VCF-style: chr7-150645566-C-G.
Other names: c.2370G>C, p.Lys790Asn (NM_001406753.1); c.1638G>C, p.Lys546Asn (NM_172057.3); short protein forms K546N, K790N, K886N.
Identifiers: ClinVar variation 2773432 (VCV002773432.2), dbSNP rs757549384, ClinGen allele CA369853712.
Genomic context (GRCh38, chr7:150,948,478, plus strand): 5'-CCCCTTCCTCCCCTCCCCCGCCTCACCCTTGTCCGTGCGCCTGCGGAAGGACAACTTGCG[C>G]TTGCGTTGCCGACTGAAGCCACCCTCTAACTCCGTACTGCCGGGGGAGCCCGGGATCATG-3'
Protein context (NP_000229.1, residues 876-896): ELEGGFSRQR[Lys886Asn]RKLSFRRRTD